The following is an entry in ClinVar:

NM_001330260.2(SCN8A):c.4449A>C (p.Glu1483Asp)

Gene: SCN8A (sodium voltage-gated channel alpha subunit 8; plus strand). Cytogenetic location: 12q13.13.
Variant type: single nucleotide variant.
Coding change: c.4449A>C on transcript NM_001330260.2 (MANE Select); coding-DNA position 4449, A replaced by C.
Protein change: p.Glu1483Asp; replaces glutamic acid 1483 with aspartic acid.
Molecular consequence: missense variant.
Genome position (GRCh38, 1-based): chr12:51,790,427, A>C. VCF-style: chr12-51790427-A-C. GRCh37 (hg19) VCF-style: chr12-52184211-A-C.
Other names: c.4326A>C, p.Glu1442Asp (NM_001177984.3, NM_001369788.1); c.4449A>C, p.Glu1483Asp (NM_014191.4); short protein forms E1442D, E1483D.
Identifiers: ClinVar variation 2749670 (VCV002749670.3), dbSNP rs2540309009, ClinGen allele CA384909063.

ClinVar aggregate classification (germline): Uncertain significance (1 of 4 stars; one submission).

Conditions:
Early-infantile DEE. Also called: Ohtahara syndrome; Early infantile epileptic encephalopathy; Early infantile epileptic encephalopathy with suppression bursts. Identifiers: Orphanet 1934, MedGen C0393706, MONDO:0800491.

Submission:

Labcorp Genetics (formerly Invitae), Labcorp
Classification: Uncertain significance for Early-infantile DEE. Last evaluated: 2023-09-23. Review status: criteria provided, single submitter. Criteria: Invitae Variant Classification Sherloc (09022015). Collection method: clinical testing. Allele origin: germline.
Comment: In summary, the available evidence is currently insufficient to determine the role of this variant in disease. Therefore, it has been classified as a Variant of Uncertain Significance. This variant disrupts the p.Glu1483 amino acid residue in SCN8A. Other variant(s) that disrupt this residue have been determined to be pathogenic (PMID: 26677014, 30185235, 30615093). This suggests that this residue is clinically significant, and that variants that disrupt this residue are likely to be disease-causing. Advanced modeling of protein sequence and biophysical properties (such as structural, functional, and spatial information, amino acid conservation, physicochemical variation, residue mobility, and thermodynamic stability) performed at Invitae indicates that this missense variant is not expected to disrupt SCN8A protein function. This missense change has been observed in individual(s) with clinical features of developmental and epileptic encephalopathy (Invitae). This variant is not present in population databases (gnomAD no frequency). This sequence change replaces glutamic acid, which is acidic and polar, with aspartic acid, which is acidic and polar, at codon 1483 of the SCN8A protein (p.Glu1483Asp).

Literature cited by the submitters: PubMed 26677014; PubMed 30185235; PubMed 30615093.